The following is an entry in ClinVar:

ClinVar aggregate classification (germline): Conflicting classifications of pathogenicity. Review status: criteria provided, conflicting classifications (1 of 4 stars). 3 submissions from 3 submitters: Uncertain significance (1); Likely benign (2). Last evaluated 2026-01-23.

Conditions:
TUBGCP6-related disorder. Also called: TUBGCP6-related condition.

Allele frequency attached by ClinVar (database versions not stated): gnomAD 0.00003; TOPMed 0.00006; ESP Exome Variant Server 0.00008; ExAC 0.00026; 1000 Genomes Project 30x 0.00047; 1000 Genomes Project 0.00060.
gnomAD v4.1: 594 of 1,614,104 alleles (0.037%); highest among the groups gnomAD compares: East Asian, 1.2%; 9 homozygotes.

Submissions (3):

Labcorp Genetics (formerly Invitae), Labcorp
Classification: Likely benign. Last evaluated: 2026-01-23. Review status: criteria provided, single submitter. Criteria: Invitae Variant Classification Sherloc (09022015). Collection method: clinical testing. Allele origin: germline.

PreventionGenetics, part of Exact Sciences
Classification: Likely benign for TUBGCP6-related condition. Last evaluated: 2024-11-21. Review status: criteria provided, single submitter. Criteria: ACMG Guidelines, 2015. Collection method: clinical testing. Allele origin: germline.
Comment: This variant is classified as likely benign based on ACMG/AMP sequence variant interpretation guidelines (Richards et al. 2015 PMID: 25741868, with internal and published modifications).

Blueprint Genetics
Classification: Uncertain significance. Last evaluated: 2023-12-14. Review status: criteria provided, single submitter. Criteria: ACMG Guidelines, 2015. Collection method: clinical testing. Allele origin: germline.

NM_020461.4(TUBGCP6):c.538C>A (p.Gln180Lys)

Gene: TUBGCP6 (tubulin gamma complex component 6; minus strand). Cytogenetic location: 22q13.33.
Variant type: single nucleotide variant.
Coding change: c.538C>A on transcript NM_020461.4 (MANE Select); coding-DNA position 538, C replaced by A.
Protein change: p.Gln180Lys; replaces glutamine 180 with lysine.
Molecular consequence: missense variant.
Genome position (GRCh38, 1-based): chr22:50,243,922, G>T on the plus strand (C>A on the coding strand, the complement: TUBGCP6 is on the minus strand). VCF-style: chr22-50243922-G-T. GRCh37 (hg19) VCF-style: chr22-50682351-G-T.
Other names: short protein forms Q180K.
Identifiers: ClinVar variation 748424 (VCV000748424.13), dbSNP rs143957857, ClinGen allele CA10309036.
Genomic context (GRCh38, chr22:50,243,922, plus strand): 5'-CACCAAATGAGAAGAGCCCGACGGTGGGCAGGCCAGTGCCTGGAGCAGCCTCCATAACCT[G>T]AAGTGTTTCCTGGATCATGCTGTGACACAAACACTCTTCTCTGGAGATCAGAGACTGAAC-3'
Protein context (NP_065194.3, residues 170-190): LCHSMIQETL[Gln180Lys]VMEAAPGTGL